The following is an entry in ClinVar:

ClinVar aggregate classification (germline): Uncertain significance (1 of 4 stars; one submission).

Allele frequency attached by ClinVar (database versions not stated): gnomAD exomes below 0.00001; ExAC 0.00002.
gnomAD v4.1: 6 of 1,613,592 alleles (0.00037%); highest among the groups gnomAD compares: Non-Finnish European, 0.00051%; no homozygotes.

Submission:

Ambry Genetics
Classification: Uncertain significance. Last evaluated: 2022-06-22. Review status: criteria provided, single submitter. Criteria: Ambry Variant Classification Scheme 2023. Collection method: clinical testing. Allele origin: germline.
Comment: The p.D1055A variant (also known as c.3164A>C), located in coding exon 17 of the PALLD gene, results from an A to C substitution at nucleotide position 3164. The aspartic acid at codon 1055 is replaced by alanine, an amino acid with dissimilar properties. This amino acid position is conserved. In addition, the in silico prediction for this alteration is inconclusive. Since supporting evidence is limited at this time, the clinical significance of this alteration remains unclear.

NM_001166108.2(PALLD):c.3215A>C (p.Asp1072Ala)

Genes: CBR4 (carbonyl reductase 4; minus strand), PALLD (palladin, cytoskeletal associated protein; plus strand). Cytogenetic location: 4q32.3.
Variant type: single nucleotide variant.
Coding change: c.3215A>C on transcript NM_001166108.2 (MANE Select); coding-DNA position 3215, A replaced by C.
Protein change: p.Asp1072Ala; replaces aspartic acid 1072 with alanine.
Molecular consequence: missense variant.
Genome position (GRCh38, 1-based): chr4:168,924,411, A>C. VCF-style: chr4-168924411-A-C. GRCh37 (hg19) VCF-style: chr4-169845562-A-C.
Other names: c.2018A>C, p.Asp673Ala (NM_001166109.2); c.1703A>C, p.Asp568Ala (NM_001166110.2); c.1043A>C, p.Asp348Ala (NM_001367567.1, NM_001367569.1); c.1094A>C, p.Asp365Ala (NM_001367568.1, NM_001367570.1); c.3164A>C, p.Asp1055Ala (NM_016081.4); short protein forms D1055A, D365A, D673A, D348A, D1072A, D568A.
Identifiers: ClinVar variation 1728343 (VCV001728343.2), dbSNP rs759161060, ClinGen allele CA3136058.
Genomic context (GRCh38, chr4:168,924,411, plus strand): 5'-GAGTGCCACCACCTCAGATATTTTGGAAGAAAGAAAATGAATCACTCACTCACAGCACTG[A>C]CCGAGTGAGGTAAGACTGCACAATGAGAACCTGATCCTTAACTGTTCAGTCCTAATGATG-3'
Protein context (NP_001159580.1, residues 1062-1082): KENESLTHST[Asp1072Ala]RVSMHQDNHG